The following is an entry in ClinVar:

NM_206933.4(USH2A):c.13740A>G (p.Ile4580Met)

Gene: USH2A (usherin; minus strand). Cytogenetic location: 1q41.
Variant type: single nucleotide variant.
Coding change: c.13740A>G on transcript NM_206933.4 (MANE Select); coding-DNA position 13740, A replaced by G.
Protein change: p.Ile4580Met; replaces isoleucine 4580 with methionine.
Molecular consequence: missense variant.
Genome position (GRCh38, 1-based): chr1:215,674,171, T>C on the plus strand (A>G on the coding strand, the complement: USH2A is on the minus strand). VCF-style: chr1-215674171-T-C. GRCh37 (hg19) VCF-style: chr1-215847513-T-C.
Other names: short protein forms I4580M.
Identifiers: ClinVar variation 989654 (VCV000989654.3), dbSNP rs1416382135, ClinGen allele CA344843574.
Genomic context (GRCh38, chr1:215,674,171, plus strand): 5'-CTTCAGCTGGTTTACTATATATGACTGCATACCAAAAGAATTATGAGTTGTGTTTATGTG[T>C]ATGATTTTAGTTTCTCTTTCAAATAGTTCACGGATGAAGAGGGTATAATTGATGATATCA-3'
Protein context (NP_996816.3, residues 4570-4590): RELFERETKI[Ile4580Met]HINTTHNSFG

ClinVar aggregate classification (germline): Uncertain significance. Review status: criteria provided, single submitter (1 of 4 stars). 2 submissions from 2 submitters: Uncertain significance (1). 1 of the submissions does not count toward it. Last evaluated 2022-08-19.

Conditions:
Usher syndrome type 2A. Also called: RETINAL DISEASE IN USHER SYNDROME TYPE IIA, MODIFIER OF; USHER SYNDROME, TYPE IIA. Identifiers: Orphanet 231178, Orphanet 886, MedGen C1848634, MONDO:0010169, OMIM 276901.

Allele frequency attached by ClinVar (database versions not stated): gnomAD exomes below 0.00001.
gnomAD v4.1: 2 of 1,614,136 alleles (0.00012%); highest among the groups gnomAD compares: Admixed American, 0.0017%; no homozygotes.

Submissions (2):

Labcorp Genetics (formerly Invitae), Labcorp
Classification: Uncertain significance. Last evaluated: 2022-08-19. Review status: criteria provided, single submitter. Criteria: Invitae Variant Classification Sherloc (09022015). Collection method: clinical testing. Allele origin: germline.
Comment: This sequence change replaces isoleucine, which is neutral and non-polar, with methionine, which is neutral and non-polar, at codon 4580 of the USH2A protein (p.Ile4580Met). This variant is present in population databases (no rsID available, gnomAD 0.003%). This variant has not been reported in the literature in individuals affected with USH2A-related conditions. ClinVar contains an entry for this variant (Variation ID: 989654). Algorithms developed to predict the effect of missense changes on protein structure and function output the following: SIFT: "Tolerated"; PolyPhen-2: "Benign"; Align-GVGD: "Class C0". The methionine amino acid residue is found in multiple mammalian species, which suggests that this missense change does not adversely affect protein function. In summary, the available evidence is currently insufficient to determine the role of this variant in disease. Therefore, it has been classified as a Variant of Uncertain Significance.

Natera, Inc.
Classification: Uncertain significance for Usher syndrome type 2A. Last evaluated: 2020-08-28. Review status: no assertion criteria provided. Collection method: clinical testing. Allele origin: germline. Not counted in ClinVar's aggregate classification.